The following is an entry in ClinVar:

ClinVar aggregate classification (germline): Uncertain significance. Review status: criteria provided, multiple submitters, no conflicts (2 of 4 stars). 4 submissions from 4 submitters: Uncertain significance (4). Last evaluated 2025-12-13.

Conditions:
DNM1L-related disorder. Also called: DNM1L-related condition.
Inborn genetic diseases. Identifiers: MedGen C0950123, MeSH D030342.

Allele frequency attached by ClinVar (database versions not stated): gnomAD exomes 0.00005; gnomAD 0.00013 and 0.00014; ESP Exome Variant Server 0.00015; TOPMed 0.00015.
gnomAD v4.1: 232 of 1,613,552 alleles (0.014%); highest among the groups gnomAD compares: Non-Finnish European, 0.017%; no homozygotes.

Submissions (4):

Labcorp Genetics (formerly Invitae), Labcorp
Classification: Uncertain significance. Last evaluated: 2025-12-13. Review status: criteria provided, single submitter. Criteria: Invitae Variant Classification Sherloc (09022015). Collection method: clinical testing. Allele origin: germline.
Comment: This sequence change replaces alanine, which is neutral and non-polar, with threonine, which is neutral and polar, at codon 550 of the DNM1L protein (p.Ala550Thr). This variant is present in population databases (rs367627379, gnomAD 0.01%). This variant has not been reported in the literature in individuals affected with DNM1L-related conditions. ClinVar contains an entry for this variant (Variation ID: 214304). An algorithm developed to predict the effect of missense changes on protein structure and function (PolyPhen-2) suggests that this variant is likely to be tolerated. In summary, the available evidence is currently insufficient to determine the role of this variant in disease. Therefore, it has been classified as a Variant of Uncertain Significance.

PreventionGenetics, part of Exact Sciences
Classification: Uncertain significance for DNM1L-related condition. Last evaluated: 2024-12-05. Review status: criteria provided, single submitter. Criteria: ACMG Guidelines, 2015. Collection method: clinical testing. Allele origin: germline.
Comment: The DNM1L c.1648G>A variant is predicted to result in the amino acid substitution p.Ala550Thr. To our knowledge, this variant has not been reported in the literature. This variant is reported in 0.012% of alleles in individuals of African descent in gnomAD. At this time, the clinical significance of this variant is uncertain due to the absence of conclusive functional and genetic evidence.

GeneDx
Classification: Uncertain significance. Last evaluated: 2023-12-12. Review status: criteria provided, single submitter. Criteria: GeneDx Variant Classification Process June 2021. Collection method: clinical testing. Allele origin: germline. Affected: yes.
Comment: Has not been previously published as pathogenic or benign to our knowledge; In silico analysis supports that this missense variant does not alter protein structure/function

Ambry Genetics
Classification: Uncertain significance for Inborn genetic diseases. Last evaluated: 2022-12-01. Review status: criteria provided, single submitter. Criteria: Ambry Variant Classification Scheme 2023. Collection method: clinical testing. Allele origin: germline.

NM_012062.5(DNM1L):c.1648G>A (p.Ala550Thr)

Gene: DNM1L (dynamin 1L; plus strand). Cytogenetic location: 12p11.21.
Variant type: single nucleotide variant.
Coding change: c.1648G>A on transcript NM_012062.5 (MANE Select); coding-DNA position 1648, G replaced by A.
Protein change: p.Ala550Thr; replaces alanine 550 with threonine.
Molecular consequence: missense variant. On other transcripts: intron variant (3).
Genome position (GRCh38, 1-based): chr12:32,737,916, G>A. VCF-style: chr12-32737916-G-A. GRCh37 (hg19) VCF-style: chr12-32890850-G-A.
Other names: p.A550T:GCT>ACT; c.1648G>A, p.Ala550Thr (NM_001278463.2); c.1687G>A, p.Ala563Thr (NM_001278464.2, NM_001278465.2); c.1039G>A, p.Ala347Thr (NM_001278466.2); c.1635+755G>A (NM_001330380.2); c.1597-348G>A (NM_012063.4); c.1596+755G>A (NM_005690.5); c.1648G>A (NM_012062.4); short protein forms A550T, A347T, A563T.
Identifiers: ClinVar variation 214304 (VCV000214304.14), dbSNP rs367627379, ClinGen allele CA323632.
Genomic context (GRCh38, chr12:32,737,916, plus strand): 5'-TGCCTTTAGTCTTCTAAAGTTCCAAGTGCTTTGGCACCTGCCTCCCAGGAGCCCTCCCCC[G>A]CTGCTTCTGCTGAGGCTGATGGCAAGGTCTGTTCTGATTCTTAATCTAAGCCTGCATGCC-3'
Protein context (NP_036192.2, residues 540-560): LAPASQEPSP[Ala550Thr]ASAEADGKLI